The following is an entry in ClinVar:

ClinVar aggregate classification (germline): Benign/Likely benign. Review status: criteria provided, multiple submitters, no conflicts (2 of 4 stars). 5 submissions from 5 submitters: Benign (1); Likely benign (4). Last evaluated 2026-05-05.

Conditions:
TBL1XR1-related disorder. Also called: TBL1XR1-related condition; TBL1XR1-related disorders. Identifiers: MedGen CN382633, MONDO:1060313.
Pierpont syndrome (PRPTS). Identifiers: Orphanet 487825, MedGen C1865644, MONDO:0011213, OMIM 602342.

Allele frequency attached by ClinVar (database versions not stated): gnomAD exomes 0.00007 and 0.00022; ExAC 0.00029; ESP Exome Variant Server 0.00059; TOPMed 0.00063; gnomAD 0.00065 and 0.00068; 1000 Genomes Project 30x 0.00203; 1000 Genomes Project 0.00260.
gnomAD v4.1: 198 of 1,511,412 alleles (0.013%); highest among the groups gnomAD compares: African/African-American, 0.22%; 2 homozygotes.

Submissions (7):

PreventionGenetics, part of Exact Sciences
Classification: Likely benign for TBL1XR1-related condition. Last evaluated: 2026-05-05. Review status: criteria provided, single submitter. Criteria: ACMG Guidelines, 2015. Collection method: clinical testing. Allele origin: germline.
Comment: This variant is classified as likely benign based on ACMG/AMP sequence variant interpretation guidelines (Richards et al. 2015 PMID: 25741868, with internal and published modifications).

Labcorp Genetics (formerly Invitae), Labcorp
Classification: Benign for Pierpont syndrome. Last evaluated: 2025-12-28. Review status: criteria provided, single submitter. Criteria: Invitae Variant Classification Sherloc (09022015). Collection method: clinical testing. Allele origin: germline.

Mayo Clinic Laboratories, Mayo Clinic
Classification: Likely benign. Last evaluated: 2025-10-07. Review status: criteria provided, single submitter. Criteria: ACMG Guidelines, 2015. Collection method: clinical testing. Allele origin: germline. Observed: 1 variant allele.
Comment: BS1, BP4, BP7

Blueprint Genetics
Classification: Likely benign. Last evaluated: 2024-06-17. Review status: criteria provided, single submitter. Criteria: ACMG Guidelines, 2015. Collection method: clinical testing. Allele origin: germline.

GeneDx
Classification: Likely benign. Last evaluated: 2021-03-09. Review status: criteria provided, single submitter. Criteria: GeneDx Variant Classification Process June 2021. Collection method: clinical testing. Allele origin: germline. Affected: yes.

Dr. Peter K. Rogan Lab, Western University
No classification provided (evidence only). Condition: Lung cancer. Review status: no classification provided. Collection method: in vitro. Allele origin: not applicable. Functional consequence: retained intron. Not counted in ClinVar's aggregate classification.

Dr. Peter K. Rogan Lab, Western University
No classification provided (evidence only). Condition: Uterine corpus endometrial carcinoma. Review status: no classification provided. Collection method: in vitro. Allele origin: not applicable. Functional consequence: retained intron. Not counted in ClinVar's aggregate classification.

NM_024665.7(TBL1XR1):c.1251-8T>A

Gene: TBL1XR1 (TBL1X/Y related 1; minus strand). Cytogenetic location: 3q26.32.
Variant type: single nucleotide variant.
Coding change: c.1251-8T>A on transcript NM_024665.7 (MANE Select); 8 bases into the intron before coding-DNA position 1251, T replaced by A.
Molecular consequence: intron variant.
Genome position (GRCh38, 1-based): chr3:177,033,144, A>T on the plus strand (T>A on the coding strand, the complement: TBL1XR1 is on the minus strand). VCF-style: chr3-177033144-A-T. GRCh37 (hg19) VCF-style: chr3-176750932-A-T.
Other names: p.?; c.1251-8T>A (NM_024665.6, NM_024665.5, NM_001374327.1 and 4 more transcripts); c.990-8T>A (NM_001374330.1, NM_001321195.3).
Identifiers: ClinVar variation 729132 (VCV000729132.17), dbSNP rs148654942, ClinGen allele CA2709791.